The following is an entry in ClinVar:

NM_003327.4(TNFRSF4):c.26G>C (p.Gly9Ala)

Gene: TNFRSF4 (TNF receptor superfamily member 4; minus strand). Cytogenetic location: 1p36.33.
Variant type: single nucleotide variant.
Coding change: c.26G>C on transcript NM_003327.4 (MANE Select); coding-DNA position 26, G replaced by C.
Protein change: p.Gly9Ala; replaces glycine 9 with alanine.
Molecular consequence: missense variant.
Genome position (GRCh38, 1-based): chr1:1,214,102, C>G on the plus strand (G>C on the coding strand, the complement: TNFRSF4 is on the minus strand). VCF-style: chr1-1214102-C-G. GRCh37 (hg19) VCF-style: chr1-1149482-C-G.
Other names: c.26G>C, p.Gly9Ala (NM_001410709.1); short protein forms G9A.
Identifiers: ClinVar variation 2875327 (VCV002875327.3), dbSNP rs1162542365, ClinGen allele CA337803248.

ClinVar aggregate classification (germline): Uncertain significance (1 of 4 stars; one submission).

Conditions:
Combined immunodeficiency due to OX40 deficiency. Also called: OX40 DEFICIENCY; Immunodeficiency 16. Identifiers: Orphanet 431149, MedGen C3810053, MONDO:0014268, OMIM 615593.

Allele frequency attached by ClinVar (database versions not stated): TOPMed below 0.00001; gnomAD 0.00001; gnomAD exomes 0.00001.

Submission:

Labcorp Genetics (formerly Invitae), Labcorp
Classification: Uncertain significance for Combined immunodeficiency due to OX40 deficiency. Last evaluated: 2023-04-10. Review status: criteria provided, single submitter. Criteria: Invitae Variant Classification Sherloc (09022015). Collection method: clinical testing. Allele origin: germline.
Comment: In summary, the available evidence is currently insufficient to determine the role of this variant in disease. Therefore, it has been classified as a Variant of Uncertain Significance. Experimental studies and prediction algorithms are not available or were not evaluated, and the functional significance of this variant is currently unknown. This variant has not been reported in the literature in individuals affected with TNFRSF4-related conditions. This variant is present in population databases (no rsID available, gnomAD 0.001%). This sequence change replaces glycine, which is neutral and non-polar, with alanine, which is neutral and non-polar, at codon 9 of the TNFRSF4 protein (p.Gly9Ala).